The following is an entry in ClinVar:

ClinVar aggregate classification (germline): Uncertain significance (1 of 4 stars; one submission).

Allele frequency attached by ClinVar (database versions not stated): TOPMed below 0.00001; gnomAD 0.00001; ExAC 0.00002.
gnomAD v4.1: 5 of 1,613,758 alleles (0.00031%); highest among the groups gnomAD compares: African/African-American, 0.0013%; no homozygotes.

Submission:

CeGaT Center for Human Genetics Tuebingen
Classification: Uncertain significance. Last evaluated: 2022-03-01. Review status: criteria provided, single submitter. Criteria: CeGaT Center For Human Genetics Tuebingen Variant Classification Criteria Version 2. Collection method: clinical testing. Allele origin: germline. Affected: yes. Observed: 1 variant allele.
Comment: TRPS1: PP4

NM_014112.5(TRPS1):c.1300G>A (p.Asp434Asn)

Gene: TRPS1 (transcriptional repressor GATA binding 1; minus strand). Cytogenetic location: 8q23.3.
Variant type: single nucleotide variant.
Coding change: c.1300G>A on transcript NM_014112.5 (MANE Select); coding-DNA position 1300, G replaced by A.
Protein change: p.Asp434Asn; replaces aspartic acid 434 with asparagine.
Molecular consequence: missense variant.
Genome position (GRCh38, 1-based): chr8:115,604,669, C>T on the plus strand (G>A on the coding strand, the complement: TRPS1 is on the minus strand). VCF-style: chr8-115604669-C-T. GRCh37 (hg19) VCF-style: chr8-116616896-C-T.
Other names: c.1273G>A, p.Asp425Asn (NM_001282902.3); c.1279G>A, p.Asp427Asn (NM_001282903.3); c.1261G>A, p.Asp421Asn (NM_001330599.2); short protein forms D421N, D425N, D427N, D434N.
Identifiers: ClinVar variation 1676108 (VCV001676108.33), dbSNP rs754601803, ClinGen allele CA4851846.